The following is an entry in ClinVar:

ClinVar aggregate classification (germline): Uncertain significance (1 of 4 stars; one submission).

Conditions:
TBX2-related disorder. Also called: TBX2-related condition.

gnomAD v4.1: 2 of 1,612,224 alleles (0.00012%); highest among the groups gnomAD compares: East Asian, 0.0022%; no homozygotes.

Submission:

PreventionGenetics, part of Exact Sciences
Classification: Uncertain significance for TBX2-related condition. Last evaluated: 2025-12-01. Review status: criteria provided, single submitter. Criteria: ACMG Guidelines, 2015. Collection method: clinical testing. Allele origin: germline.
Comment: The TBX2 c.410C>A variant is predicted to result in the amino acid substitution p.Pro137His. To our knowledge, this variant has not been reported in the literature. This variant is reported in 0.064% of alleles in individuals of East Asian descent in gnomAD. At this time, the clinical significance of this variant is uncertain due to the absence of conclusive functional and genetic evidence.

NM_005994.4(TBX2):c.410C>A (p.Pro137His)

Gene: TBX2 (T-box transcription factor 2; plus strand). Cytogenetic location: 17q23.2.
Variant type: single nucleotide variant.
Coding change: c.410C>A on transcript NM_005994.4 (MANE Select); coding-DNA position 410, C replaced by A.
Protein change: p.Pro137His; replaces proline 137 with histidine.
Molecular consequence: missense variant.
Genome position (GRCh38, 1-based): chr17:61,401,698, C>A. VCF-style: chr17-61401698-C-A. GRCh37 (hg19) VCF-style: chr17-59479059-C-A.
Other names: short protein forms P137H.
Identifiers: ClinVar variation 4993577 (VCV004993577.1).